The following is an entry in ClinVar:

ClinVar aggregate classification (germline): Uncertain significance (1 of 4 stars; one submission).

Submission:

Labcorp Genetics (formerly Invitae), Labcorp
Classification: Uncertain significance. Last evaluated: 2022-03-19. Review status: criteria provided, single submitter. Criteria: Invitae Variant Classification Sherloc (09022015). Collection method: clinical testing. Allele origin: germline.
Comment: Algorithms developed to predict the effect of sequence changes on RNA splicing suggest that this variant may create or strengthen a splice site. Algorithms developed to predict the effect of missense changes on protein structure and function are either unavailable or do not agree on the potential impact of this missense change (SIFT: "Deleterious"; PolyPhen-2: "Benign"; Align-GVGD: "Class C15"). This variant has not been reported in the literature in individuals affected with RHOBTB2-related conditions. This variant is not present in population databases (gnomAD no frequency). This sequence change replaces serine, which is neutral and polar, with cysteine, which is neutral and slightly polar, at codon 412 of the RHOBTB2 protein (p.Ser412Cys). In summary, the available evidence is currently insufficient to determine the role of this variant in disease. Therefore, it has been classified as a Variant of Uncertain Significance.

NM_015178.3(RHOBTB2):c.1168A>T (p.Ser390Cys)

Gene: RHOBTB2 (Rho related BTB domain containing 2; plus strand). Cytogenetic location: 8p21.3.
Variant type: single nucleotide variant.
Coding change: c.1168A>T on transcript NM_015178.3 (MANE Select); coding-DNA position 1168, A replaced by T.
Protein change: p.Ser390Cys; replaces serine 390 with cysteine.
Molecular consequence: missense variant.
Genome position (GRCh38, 1-based): chr8:23,007,413, A>T. VCF-style: chr8-23007413-A-T. GRCh37 (hg19) VCF-style: chr8-22864926-A-T.
Other names: c.1234A>T, p.Ser412Cys (NM_001160036.2); c.1189A>T, p.Ser397Cys (NM_001160037.2); c.1168A>T, p.Ser390Cys (NM_001374791.1); short protein forms S390C, S397C, S412C.
Identifiers: ClinVar variation 1512489 (VCV001512489.8), dbSNP rs2128804872, ClinGen allele CA370567592.